The following is an entry in ClinVar:

ClinVar aggregate classification (germline): Benign/Likely benign. Review status: criteria provided, multiple submitters, no conflicts (2 of 4 stars). 10 submissions from 10 submitters: Benign (5); Likely benign (3). 2 of the submissions do not count toward it. Last evaluated 2026-02-03.

Conditions:
Inborn genetic diseases. Identifiers: MedGen C0950123, MeSH D030342.
Christianson syndrome (MRXSCH). Also called: SLC9A6-Related Syndromic Mental Retardation; INTELLECTUAL DEVELOPMENTAL DISORDER, X-LINKED, SYNDROMIC, CHRISTIANSON TYPE; X-linked mental retardation, syndromic, Christianson type. Identifiers: Orphanet 85278, MedGen C2678194, MONDO:0010278, OMIM 300243.

Allele frequency attached by ClinVar (database versions not stated): gnomAD 0.02758 and 0.03011; TOPMed 0.02782; ESP Exome Variant Server 0.02869; gnomAD exomes 0.03389 and 0.03593; ExAC 0.04324; 1000 Genomes Project 30x 0.05286; 1000 Genomes Project 0.05589.
gnomAD v4.1: 40,451 of 1,208,581 alleles (3.3%); highest among the groups gnomAD compares: South Asian, 11%; 571 homozygotes.

Submissions (10):

Labcorp Genetics (formerly Invitae), Labcorp
Classification: Benign for Christianson syndrome. Last evaluated: 2026-02-03. Review status: criteria provided, single submitter. Criteria: Invitae Variant Classification Sherloc (09022015). Collection method: clinical testing. Allele origin: germline.

Blueprint Genetics
Classification: Likely benign. Last evaluated: 2024-11-28. Review status: criteria provided, single submitter. Criteria: ACMG Guidelines, 2015. Collection method: clinical testing. Allele origin: germline.

Mayo Clinic Laboratories, Mayo Clinic
Classification: Benign. Last evaluated: 2022-10-27. Review status: criteria provided, single submitter. Criteria: ACMG Guidelines, 2015. Collection method: clinical testing. Allele origin: germline. Observed: 61 variant alleles.

PreventionGenetics, part of Exact Sciences
Classification: Benign. Last evaluated: 2016-02-21. Review status: criteria provided, single submitter. Criteria: ACMG Guidelines, 2015. Collection method: clinical testing. Allele origin: germline.

Ambry Genetics
Classification: Benign for Inborn genetic diseases. Last evaluated: 2015-09-25. Review status: criteria provided, single submitter. Criteria: Ambry Variant Classification Scheme 2023. Collection method: clinical testing. Allele origin: germline.

Genetic Services Laboratory, University of Chicago
Classification: Likely benign. Last evaluated: 2013-05-06. Review status: criteria provided, single submitter. Criteria: ACMG Guidelines, 2007. Collection method: clinical testing. Allele origin: germline. Inheritance: X-linked inheritance.
Comment: Likely benign based on allele frequency in 1000 Genomes Project or ESP global frequency and its presence in a patient with a rare or unrelated disease phenotype. NOT Sanger confirmed

GeneDx
Classification: Benign. Last evaluated: 2012-05-02. Review status: criteria provided, single submitter. Criteria: GeneDx Variant Classification (06012015). Collection method: clinical testing. Allele origin: germline. Affected: yes.
Comment: This variant is considered likely benign or benign based on one or more of the following criteria: it is a conservative change, it occurs at a poorly conserved position in the protein, it is predicted to be benign by multiple in silico algorithms, and/or has population frequency not consistent with disease.

Breakthrough Genomics
Classification: Likely benign. Review status: criteria provided, single submitter. Criteria: ACMG Guidelines, 2015. Collection method: not provided. Allele origin: germline. Inheritance: X-linked inheritance. Affected: yes.

Genome Diagnostics Laboratory, University Medical Center Utrecht
Classification: Benign. Review status: no assertion criteria provided. Collection method: clinical testing. Allele origin: germline. Affected: yes. Study: VKGL Data-share Consensus. Not counted in ClinVar's aggregate classification.

Joint Genome Diagnostic Labs from Nijmegen and Maastricht, Radboudumc and MUMC+
Classification: Benign. Review status: no assertion criteria provided. Collection method: clinical testing. Allele origin: germline. Affected: yes. Study: VKGL Data-share Consensus. Not counted in ClinVar's aggregate classification.

NM_001379110.1(SLC9A6):c.1689C>T (p.Ser563=)

Gene: SLC9A6 (solute carrier family 9 member A6; plus strand). Cytogenetic location: Xq26.3.
Variant type: single nucleotide variant.
Coding change: c.1689C>T on transcript NM_001379110.1 (MANE Select); coding-DNA position 1689, C replaced by T.
Protein change: p.Ser563=; no amino-acid change (serine 563 retained).
Molecular consequence: synonymous variant.
Genome position (GRCh38, 1-based): chrX:136,040,103, C>T. VCF-style: chrX-136040103-C-T. GRCh37 (hg19) VCF-style: chrX-135122262-C-T.
Other names: p.S553S:AGC>AGT; p.Ser553=; c.1755C>T, p.Ser585= (NM_001042537.2); c.1599C>T, p.Ser533= (NM_001177651.2); c.1503C>T, p.Ser501= (NM_001330652.2); c.1659C>T, p.Ser553= (NM_006359.3).
Identifiers: ClinVar variation 139209 (VCV000139209.27), dbSNP rs2307131, ClinGen allele CA295167.